The following is an entry in ClinVar:

NM_003901.4(SGPL1):c.843C>T (p.Ala281=)

Gene: SGPL1 (sphingosine-1-phosphate lyase 1; plus strand). Cytogenetic location: 10q22.1.
Variant type: single nucleotide variant.
Coding change: c.843C>T on transcript NM_003901.4 (MANE Select); coding-DNA position 843, C replaced by T.
Protein change: p.Ala281=; no amino-acid change (alanine 281 retained).
Molecular consequence: synonymous variant.
Genome position (GRCh38, 1-based): chr10:70,871,080, C>T. VCF-style: chr10-70871080-C-T. GRCh37 (hg19) VCF-style: chr10-72630837-C-T.
Identifiers: ClinVar variation 3050185 (VCV003050185.2), dbSNP rs2492798682, ClinGen allele CA470051662.

ClinVar aggregate classification (germline): Likely benign (0 of 4 stars; one submission).

Conditions:
SGPL1-related disorder. Also called: SGPL1-related condition. Identifiers: MedGen CN380158.

Allele frequency attached by ClinVar (database versions not stated): gnomAD exomes below 0.00001.
gnomAD v4.1: 2 of 1,613,948 alleles (0.00012%); highest among the groups gnomAD compares: Non-Finnish European, 0.00017%; no homozygotes.

Submission:

PreventionGenetics, part of Exact Sciences
Classification: Likely benign for SGPL1-related condition. Last evaluated: 2022-02-28. Review status: no assertion criteria provided. Collection method: clinical testing. Allele origin: germline.
Comment: This variant is classified as likely benign based on ACMG/AMP sequence variant interpretation guidelines (Richards et al. 2015 PMID: 25741868, with internal and published modifications).